The following is an entry in ClinVar:

ClinVar aggregate classification (germline): Uncertain significance (1 of 4 stars; one submission).

Conditions:
OPA1-related disorder. Also called: OPA1-related condition; OPA1-related disorders.

Submission:

PreventionGenetics, part of Exact Sciences
Classification: Uncertain significance for OPA1-related condition. Last evaluated: 2023-03-14. Review status: criteria provided, single submitter. Criteria: ACMG Guidelines, 2015. Collection method: clinical testing. Allele origin: germline.
Comment: The OPA1 c.2735G>T variant is predicted to result in the amino acid substitution p.Arg912Leu. To our knowledge, this variant has not been reported in the literature or in a large population database, indicating this variant is rare. At this time, the clinical significance of this variant is uncertain due to the absence of conclusive functional and genetic evidence.

NM_130837.3(OPA1):c.2735G>T (p.Arg912Leu)

Gene: OPA1 (OPA1 mitochondrial dynamin like GTPase; plus strand). Cytogenetic location: 3q29.
Variant type: single nucleotide variant.
Coding change: c.2735G>T on transcript NM_130837.3 (MANE Select); coding-DNA position 2735, G replaced by T.
Protein change: p.Arg912Leu; replaces arginine 912 with leucine.
Molecular consequence: missense variant.
Genome position (GRCh38, 1-based): chr3:193,664,953, G>T. VCF-style: chr3-193664953-G-T. GRCh37 (hg19) VCF-style: chr3-193382742-G-T.
Other names: c.2201G>T, p.Arg734Leu (NM_001354663.2); c.2198G>T, p.Arg733Leu (NM_001354664.2); c.2570G>T, p.Arg857Leu (NM_015560.3); c.2462G>T, p.Arg821Leu (NM_130831.3); c.2516G>T, p.Arg839Leu (NM_130832.3); c.2573G>T, p.Arg858Leu (NM_130833.3); c.2624G>T, p.Arg875Leu (NM_130834.3); c.2627G>T, p.Arg876Leu (NM_130835.3); and 1 more; short protein forms R733L, R734L, R821L, R839L, R857L, R858L, R875L, R876L.
Identifiers: ClinVar variation 2633698 (VCV002633698.1), dbSNP rs1215497493, ClinGen allele CA355795422.